The following is an entry in ClinVar:

ClinVar aggregate classification (germline): Uncertain significance (1 of 4 stars; one submission).

Conditions:
Cardiovascular phenotype. Identifiers: MedGen CN230736.

Submission:

Molecular Diagnostic Laboratory for Inherited Cardiovascular Disease, Montreal Heart Institute
Classification: Uncertain significance for Cardiovascular phenotype. Last evaluated: 2026-03-27. Review status: criteria provided, single submitter. Criteria: ACMG Guidelines, 2015. Collection method: clinical testing. Allele origin: germline. Affected: yes.
Comment: PVS1_mod, PM2

NM_000256.3(MYBPC3):c.654+5del

Gene: MYBPC3 (myosin binding protein C3; minus strand). Cytogenetic location: 11p11.2.
Variant type: Deletion.
Coding change: c.654+5del on transcript NM_000256.3 (MANE Select); 5 bases into the intron after coding-DNA position 654, one base deleted (G; older notation c.654+5delG).
Molecular consequence: intron variant.
Genome position (GRCh38, 1-based): chr11:47,349,769, C deleted on the plus strand (G on the coding strand, the reverse complement: MYBPC3 is on the minus strand); the first of 3 consecutive C bases (chr11:47,349,769-47,349,771); deleting any one gives the same sequence. VCF-style (leftmost placement, unchanged base first): chr11-47349768-AC-A. GRCh37 (hg19) VCF-style: chr11-47371319-AC-A.
Identifiers: ClinVar variation 4820473 (VCV004820473.1).
Genomic context (GRCh38, chr11:47,349,768, plus strand): 5'-GCCTTGTGCCTTCTAGGGCTCTCCATGTCCCCTCTCTCCGTGTCTCCACGACCCCGGTGG[AC>A]CCACCTTGCTGGCGCGGTCGTAGCTGTCGTGCAGCTGCAGGTGCTGGCCCACCTTGCTGC-3'